The following is an entry in ClinVar:

NM_199420.4(POLQ):c.6436A>C (p.Asn2146His)

Gene: POLQ (DNA polymerase theta; minus strand). Cytogenetic location: 3q13.33.
Variant type: single nucleotide variant.
Coding change: c.6436A>C on transcript NM_199420.4 (MANE Select); coding-DNA position 6436, A replaced by C.
Protein change: p.Asn2146His; replaces asparagine 2146 with histidine.
Molecular consequence: missense variant.
Genome position (GRCh38, 1-based): chr3:121,473,457, T>G on the plus strand (A>C on the coding strand, the complement: POLQ is on the minus strand). VCF-style: chr3-121473457-T-G. GRCh37 (hg19) VCF-style: chr3-121192304-T-G.
Other names: short protein forms N2146H.
Identifiers: ClinVar variation 2563851 (VCV002563851.2), dbSNP rs780422736, ClinGen allele CA354086138.

ClinVar aggregate classification (germline): Uncertain significance (1 of 4 stars; one submission).

Submission:

Ambry Genetics
Classification: Uncertain significance. Last evaluated: 2023-05-18. Review status: criteria provided, single submitter. Criteria: Ambry Variant Classification Scheme 2023. Collection method: clinical testing. Allele origin: germline.
Comment: The p.N2146H variant (also known as c.6436A>C), located in coding exon 21 of the POLQ gene, results from an A to C substitution at nucleotide position 6436. The asparagine at codon 2146 is replaced by histidine, an amino acid with similar properties. This amino acid position is conserved. In addition, this alteration is predicted to be tolerated by in silico analysis. Since supporting evidence is limited at this time, the clinical significance of this alteration remains unclear.